The following is an entry in ClinVar:

NM_000350.3(ABCA4):c.796C>T (p.Gln266Ter)

Gene: ABCA4 (ATP binding cassette subfamily A member 4; minus strand). Cytogenetic location: 1p22.1.
Variant type: single nucleotide variant.
Coding change: c.796C>T on transcript NM_000350.3 (MANE Select); coding-DNA position 796, C replaced by T.
Protein change: p.Gln266Ter; replaces glutamine 266 with a stop codon.
Molecular consequence: nonsense.
Genome position (GRCh38, 1-based): chr1:94,083,414, G>A on the plus strand (C>T on the coding strand, the complement: ABCA4 is on the minus strand). VCF-style: chr1-94083414-G-A. GRCh37 (hg19) VCF-style: chr1-94548970-G-A.
Other names: c.796C>T, p.Gln266Ter (NM_001425324.1); short protein forms Q266*.
Identifiers: ClinVar variation 1353927 (VCV001353927.6), dbSNP rs764368214, ClinGen allele CA341285144.

ClinVar aggregate classification (germline): Pathogenic (1 of 4 stars; one submission).

Submission:

Labcorp Genetics (formerly Invitae), Labcorp
Classification: Pathogenic. Last evaluated: 2022-08-20. Review status: criteria provided, single submitter. Criteria: Invitae Variant Classification Sherloc (09022015). Collection method: clinical testing. Allele origin: germline.
Comment: For these reasons, this variant has been classified as Pathogenic. Algorithms developed to predict the effect of sequence changes on RNA splicing suggest that this variant may disrupt the consensus splice site. ClinVar contains an entry for this variant (Variation ID: 1353927). This variant has not been reported in the literature in individuals affected with ABCA4-related conditions. This variant is not present in population databases (gnomAD no frequency). This sequence change creates a premature translational stop signal (p.Gln266*) in the ABCA4 gene. It is expected to result in an absent or disrupted protein product. Loss-of-function variants in ABCA4 are known to be pathogenic (PMID: 10958761, 24938718, 25312043, 26780318).

Literature cited by the submitters: PubMed 10958761; PubMed 24938718; PubMed 25312043; PubMed 26780318.